The following is an entry in ClinVar:

NM_000203.5(IDUA):c.1331A>G (p.Asp444Gly)

Gene: IDUA (alpha-L-iduronidase; plus strand). Cytogenetic location: 4p16.3.
Variant type: single nucleotide variant.
Coding change: c.1331A>G on transcript NM_000203.5 (MANE Select); coding-DNA position 1331, A replaced by G.
Protein change: p.Asp444Gly; replaces aspartic acid 444 with glycine.
Molecular consequence: missense variant. On other transcripts: non-coding transcript variant (1).
Genome position (GRCh38, 1-based): chr4:1,002,873, A>G. VCF-style: chr4-1002873-A-G. GRCh37 (hg19) VCF-style: chr4-996661-A-G.
Other names: c.935A>G, p.Asp312Gly (NM_001363576.1); c.1331A>G (NM_000203.3); short protein forms D444G, D312G.
Identifiers: ClinVar variation 2145811 (VCV002145811.6), dbSNP rs1316884593, ClinGen allele CA355964025.

ClinVar aggregate classification (germline): Uncertain significance. Review status: criteria provided, multiple submitters, no conflicts (2 of 4 stars). 3 submissions from 3 submitters: Uncertain significance (3). Last evaluated 2023-04-27.

Conditions:
Inborn genetic diseases. Identifiers: MedGen C0950123, MeSH D030342.
Mucopolysaccharidosis type 1. Also called: IDUA deficiency; MPS I. Identifiers: Orphanet 579, MedGen C0023786, MONDO:0001586.

Allele frequency attached by ClinVar (database versions not stated): gnomAD exomes below 0.00001; gnomAD 0.00001; TOPMed 0.00001.
gnomAD v4.1: 4 of 1,442,282 alleles (0.00028%); highest among the groups gnomAD compares: Non-Finnish European, 0.00036%; no homozygotes.

Submissions (3):

Ambry Genetics
Classification: Uncertain significance for Inborn genetic diseases. Last evaluated: 2023-04-27. Review status: criteria provided, single submitter. Criteria: Ambry Variant Classification Scheme 2023. Collection method: clinical testing. Allele origin: germline.
Comment: The p.D444G variant (also known as c.1331A>G), located in coding exon 9 of the IDUA gene, results from an A to G substitution at nucleotide position 1331. The aspartic acid at codon 444 is replaced by glycine, an amino acid with similar properties. This amino acid position is conserved. In addition, the in silico prediction for this alteration is inconclusive. Since supporting evidence is limited at this time, the clinical significance of this alteration remains unclear.

Labcorp Genetics (formerly Invitae), Labcorp
Classification: Uncertain significance for Mucopolysaccharidosis type 1. Last evaluated: 2022-06-30. Review status: criteria provided, single submitter. Criteria: Invitae Variant Classification Sherloc (09022015). Collection method: clinical testing. Allele origin: germline.
Comment: This sequence change replaces aspartic acid, which is acidic and polar, with glycine, which is neutral and non-polar, at codon 444 of the IDUA protein (p.Asp444Gly). This variant is not present in population databases (gnomAD no frequency). This variant has not been reported in the literature in individuals affected with IDUA-related conditions. Advanced modeling of protein sequence and biophysical properties (such as structural, functional, and spatial information, amino acid conservation, physicochemical variation, residue mobility, and thermodynamic stability) performed at Invitae indicates that this missense variant is expected to disrupt IDUA protein function. In summary, the available evidence is currently insufficient to determine the role of this variant in disease. Therefore, it has been classified as a Variant of Uncertain Significance.

Revvity Omics, Revvity
Classification: Uncertain significance. Last evaluated: 2019-05-23. Review status: criteria provided, single submitter. Criteria: ACMG Guidelines, 2015. Collection method: clinical testing. Allele origin: germline.